The following is an entry in ClinVar:

ClinVar aggregate classification (germline): Likely benign (1 of 4 stars; one submission).

Allele frequency attached by ClinVar (database versions not stated): 1000 Genomes Project 30x 0.00016; 1000 Genomes Project 0.00020; ExAC 0.00063; gnomAD 0.00065; gnomAD exomes 0.00067; TOPMed 0.00068; ESP Exome Variant Server 0.00085.
gnomAD v4.1: 1,084 of 1,608,458 alleles (0.067%); highest among the groups gnomAD compares: African/African-American, 0.092%; 1 homozygote.

Submission:

CeGaT Center for Human Genetics Tuebingen
Classification: Likely benign. Last evaluated: 2022-07-01. Review status: criteria provided, single submitter. Criteria: CeGaT Center For Human Genetics Tuebingen Variant Classification Criteria Version 2. Collection method: clinical testing. Allele origin: germline. Affected: yes. Observed: 1 variant allele.
Comment: SYMPK: BP4, BP7

NM_004819.3(SYMPK):c.1641C>T (p.Ser547=)

Gene: SYMPK (symplekin scaffold protein; minus strand). Cytogenetic location: 19q13.32.
Variant type: single nucleotide variant.
Coding change: c.1641C>T on transcript NM_004819.3 (MANE Select); coding-DNA position 1641, C replaced by T.
Protein change: p.Ser547=; no amino-acid change (serine 547 retained).
Molecular consequence: synonymous variant.
Genome position (GRCh38, 1-based): chr19:45,830,162, G>A on the plus strand (C>T on the coding strand, the complement: SYMPK is on the minus strand). VCF-style: chr19-45830162-G-A. GRCh37 (hg19) VCF-style: chr19-46333420-G-A.
Identifiers: ClinVar variation 2650133 (VCV002650133.24), dbSNP rs35532874, ClinGen allele CA9523884.